The following is an entry in ClinVar:

NM_000090.4(COL3A1):c.1708G>A (p.Gly570Ser)

Gene: COL3A1 (collagen type III alpha 1 chain; plus strand). Cytogenetic location: 2q32.2.
Variant type: single nucleotide variant.
Coding change: c.1708G>A on transcript NM_000090.4 (MANE Select); coding-DNA position 1708, G replaced by A.
Protein change: p.Gly570Ser; replaces glycine 570 with serine.
Molecular consequence: missense variant.
Genome position (GRCh38, 1-based): chr2:188,996,443, G>A. VCF-style: chr2-188996443-G-A. GRCh37 (hg19) VCF-style: chr2-189861169-G-A.
Other names: short protein forms G570S.
Identifiers: ClinVar variation 529319 (VCV000529319.11), dbSNP rs1553508238, ClinGen allele CA349852713.

ClinVar aggregate classification (germline): Likely pathogenic. Review status: criteria provided, multiple submitters, no conflicts (2 of 4 stars). 3 submissions from 3 submitters: Likely pathogenic (3). Last evaluated 2025-07-29.

Conditions:
Familial thoracic aortic aneurysm and aortic dissection (TAAD). Also called: Thoracic aortic aneurysms and dissections. Identifiers: Orphanet 91387, MedGen C4707243, MONDO:0019625.
Ehlers-Danlos syndrome, type 4 (EDSVASC). Also called: Ehlers-Danlos syndrome vascular type; Ehlers Danlos syndrome, ecchymotic type; Ehlers Danlos syndrome, arterial type; Ehlers Danlos syndrome, Sack-Barabas type; Ehlers-Danlos Syndrome Type IV. Identifiers: Orphanet 286, MedGen C0268338, MONDO:0017314, OMIM 130050.

Submissions (3):

Ambry Genetics
Classification: Likely pathogenic for Familial thoracic aortic aneurysm and aortic dissection. Last evaluated: 2025-07-29. Review status: criteria provided, single submitter. Criteria: Ambry Variant Classification Scheme 2023. Collection method: clinical testing. Allele origin: germline.
Comment: The p.G570S variant (also known as c.1708G>A), located in coding exon 24 of the COL3A1 gene, results from a G to A substitution at nucleotide position 1708. The glycine at codon 570 is replaced by serine, an amino acid with similar properties. The majority (approximately two-thirds) of COL3A1 mutations identified to date have involved the substitution of another amino acid for glycine within the triple-helical domain (Pepin MG et al. Genet Med. 2014;16(12):881-8; Frank M et al. Eur J Hum Genet. 2015;23(12):1657-64). Internal structural analysis indicates that this alteration disrupts the characteristic G-X-Y motif in the COL3A1 protein and inserts a bulky side chain into a sterically-constrained region (Bella J et al. Science. 1994;266:75-81; Hohenester E et al. Proc. Natl. Acad. Sci. U.S.A. 2008;105:18273-7; Ambry internal data).This amino acid position is highly conserved in available vertebrate species. In addition, this alteration is predicted to be deleterious by in silico analysis. This variant is considered to be rare based on population cohorts in the Genome Aggregation Database (gnomAD). Based on the majority of available evidence to date, this variant is likely to be pathogenic.

GeneDx
Classification: Likely pathogenic. Last evaluated: 2025-05-02. Review status: criteria provided, single submitter. Criteria: GeneDx Variant Classification Process June 2021. Collection method: clinical testing. Allele origin: germline. Affected: yes.
Comment: Occurs in the triple helical domain and replaces the glycine in the canonical Gly-X-Y repeat; missense substitution of a canonical glycine residue is expected to disrupt normal protein folding and function, and this is an established mechanism of disease (HGMD); Not observed at significant frequency in large population cohorts (gnomAD); In silico analysis supports that this missense variant has a deleterious effect on protein structure/function; Has not been previously published as pathogenic or benign to our knowledge

Labcorp Genetics (formerly Invitae), Labcorp
Classification: Likely pathogenic for Ehlers-Danlos syndrome, type 4. Last evaluated: 2023-06-17. Review status: criteria provided, single submitter. Criteria: Invitae Variant Classification Sherloc (09022015). Collection method: clinical testing. Allele origin: germline.
Comment: ClinVar contains an entry for this variant (Variation ID: 529319). This variant has not been reported in the literature in individuals affected with COL3A1-related conditions. This variant is not present in population databases (gnomAD no frequency). This sequence change replaces glycine, which is neutral and non-polar, with serine, which is neutral and polar, at codon 570 of the COL3A1 protein (p.Gly570Ser). Advanced modeling of protein sequence and biophysical properties (such as structural, functional, and spatial information, amino acid conservation, physicochemical variation, residue mobility, and thermodynamic stability) performed at Invitae indicates that this missense variant is expected to disrupt COL3A1 protein function. This variant disrupts the triple helix domain of COL3A1. Glycine residues within the Gly-Xaa-Yaa repeats of the triple helix domain are required for the structure and stability of fibrillar collagens (PMID: 7695699, 8218237, 19344236). In COL3A1, variants that affect these glycine residues are significantly enriched in individuals with disease (PMID: 24922459, 25758994) compared to the general population (ExAC). In summary, the currently available evidence indicates that the variant is pathogenic, but additional data are needed to prove that conclusively. Therefore, this variant has been classified as Likely Pathogenic.

Literature cited by the submitters: PubMed 7695699 (cited by Labcorp Genetics (formerly Invitae), Labcorp); PubMed 8218237 (cited by Labcorp Genetics (formerly Invitae), Labcorp); PubMed 19344236 (cited by Labcorp Genetics (formerly Invitae), Labcorp); PubMed 24922459 (cited by Labcorp Genetics (formerly Invitae), Labcorp); PubMed 25758994 (cited by Labcorp Genetics (formerly Invitae), Labcorp).